The following is an entry in ClinVar:

ClinVar aggregate classification (germline): Uncertain significance. Review status: criteria provided, multiple submitters, no conflicts (2 of 4 stars). 2 submissions from 2 submitters: Uncertain significance (2). Last evaluated 2025-04-18.

Conditions:
Gorlin syndrome. Also called: Nevoid Basal Cell Carcinoma Syndrome; Basal cell nevus syndrome. Identifiers: Orphanet 377, MedGen C0004779, MONDO:0007187.
Hereditary cancer-predisposing syndrome. Also called: Hereditary neoplastic syndrome; Neoplastic Syndromes, Hereditary; Tumor predisposition; Hereditary Cancer Syndrome. Identifiers: Orphanet 140162, MedGen C0027672, MeSH D009386, MONDO:0015356.

Allele frequency attached by ClinVar (database versions not stated): TOPMed 0.00001.

Submissions (2):

Ambry Genetics
Classification: Uncertain significance for Hereditary cancer-predisposing syndrome. Last evaluated: 2025-04-18. Review status: criteria provided, single submitter. Criteria: Ambry Variant Classification Scheme 2023. Collection method: clinical testing. Allele origin: germline.
Comment: The p.P957R variant (also known as c.2870C>G), located in coding exon 17 of the PTCH1 gene, results from a C to G substitution at nucleotide position 2870. The proline at codon 957 is replaced by arginine, an amino acid with dissimilar properties. This amino acid position is conserved. In addition, the in silico prediction for this alteration is inconclusive. Since supporting evidence is limited at this time, the clinical significance of this alteration remains unclear.

Labcorp Genetics (formerly Invitae), Labcorp
Classification: Uncertain significance for Gorlin syndrome. Last evaluated: 2023-06-15. Review status: criteria provided, single submitter. Criteria: Invitae Variant Classification Sherloc (09022015). Collection method: clinical testing. Allele origin: germline.
Comment: This sequence change replaces proline, which is neutral and non-polar, with arginine, which is basic and polar, at codon 957 of the PTCH1 protein (p.Pro957Arg). This variant is not present in population databases (gnomAD no frequency). This variant has not been reported in the literature in individuals affected with PTCH1-related conditions. ClinVar contains an entry for this variant (Variation ID: 1042361). Advanced modeling of protein sequence and biophysical properties (such as structural, functional, and spatial information, amino acid conservation, physicochemical variation, residue mobility, and thermodynamic stability) performed at Invitae indicates that this missense variant is not expected to disrupt PTCH1 protein function. In summary, the available evidence is currently insufficient to determine the role of this variant in disease. Therefore, it has been classified as a Variant of Uncertain Significance.

NM_000264.5(PTCH1):c.2870C>G (p.Pro957Arg)

Gene: PTCH1 (patched 1; minus strand). Cytogenetic location: 9q22.32.
Variant type: single nucleotide variant.
Coding change: c.2870C>G on transcript NM_000264.5 (MANE Select); coding-DNA position 2870, C replaced by G.
Protein change: p.Pro957Arg; replaces proline 957 with arginine.
Molecular consequence: missense variant. On other transcripts: non-coding transcript variant (1).
Genome position (GRCh38, 1-based): chr9:95,459,617, G>C on the plus strand (C>G on the coding strand, the complement: PTCH1 is on the minus strand). VCF-style: chr9-95459617-G-C. GRCh37 (hg19) VCF-style: chr9-98221899-G-C.
Other names: c.2672C>G, p.Pro891Arg (NM_001083602.3); c.2867C>G, p.Pro956Arg (NM_001083603.3); c.2417C>G, p.Pro806Arg (NM_001083604.3, NM_001083605.3, NM_001083606.3 and 1 more transcripts); c.2714C>G, p.Pro905Arg (NM_001354918.2); short protein forms P806R, P957R, P956R, P891R, P905R.
Identifiers: ClinVar variation 1042361 (VCV001042361.12), dbSNP rs1376533047, ClinGen allele CA374112900.